The following is an entry in ClinVar:

NM_001267550.2(TTN):c.102965G>A (p.Ser34322Asn)

Genes: TTN (titin; minus strand), TTN-AS1 (TTN antisense RNA 1; plus strand). Cytogenetic location: 2q31.2.
Variant type: single nucleotide variant.
Coding change: c.102965G>A on transcript NM_001267550.2 (MANE Select); coding-DNA position 102965, G replaced by A.
Protein change: p.Ser34322Asn; replaces serine 34322 with asparagine.
Molecular consequence: missense variant.
Genome position (GRCh38, 1-based): chr2:178,533,650, C>T on the plus strand (G>A on the coding strand, the complement: TTN is on the minus strand). VCF-style: chr2-178533650-C-T. GRCh37 (hg19) VCF-style: chr2-179398377-C-T.
Other names: c.98042G>A, p.Ser32681Asn (NM_001256850.1); c.75770G>A, p.Ser25257Asn (NM_003319.4); c.95261G>A, p.Ser31754Asn (NM_133378.4); c.76145G>A, p.Ser25382Asn (NM_133432.3); c.76346G>A, p.Ser25449Asn (NM_133437.4); short protein forms S32681N, S34322N, S25382N, S25449N, S25257N, S31754N.
Identifiers: ClinVar variation 511852 (VCV000511852.5), dbSNP rs763242057, ClinGen allele CA1985676.

ClinVar aggregate classification (germline): Conflicting classifications of pathogenicity. Review status: criteria provided, conflicting classifications (1 of 4 stars). 3 submissions from 3 submitters: Uncertain significance (1); Likely benign (2). Last evaluated 2021-05-05.

Allele frequency attached by ClinVar (database versions not stated): TOPMed 0.00001; ExAC 0.00002; gnomAD 0.00002.
gnomAD v4.1: 44 of 1,613,812 alleles (0.0027%); highest among the groups gnomAD compares: Non-Finnish European, 0.0035%; no homozygotes.

Submissions (3):

Blueprint Genetics
Classification: Likely benign. Last evaluated: 2021-05-05. Review status: criteria provided, single submitter. Criteria: ACMG Guidelines, 2015. Collection method: clinical testing. Allele origin: germline.

Revvity Omics, Revvity
Classification: Uncertain significance. Last evaluated: 2019-07-23. Review status: criteria provided, single submitter. Criteria: ACMG Guidelines, 2015. Collection method: clinical testing. Allele origin: germline.

GeneDx
Classification: Likely benign. Last evaluated: 2017-08-30. Review status: criteria provided, single submitter. Criteria: GeneDx Variant Classification (06012015). Collection method: clinical testing. Allele origin: germline. Affected: yes.
Comment: This variant is considered likely benign or benign based on one or more of the following criteria: it is a conservative change, it occurs at a poorly conserved position in the protein, it is predicted to be benign by multiple in silico algorithms, and/or has population frequency not consistent with disease.